The following is an entry in ClinVar:

ClinVar aggregate classification (germline): Conflicting classifications of pathogenicity. Review status: criteria provided, conflicting classifications (1 of 4 stars). 28 submissions from 26 submitters: Pathogenic (9); Likely pathogenic (13); Uncertain significance (4). 2 of the submissions do not count toward it. Last evaluated 2026-08-06.

Conditions:
CFTR-related disorder (CFTR-RD). Also called: CFTR-related disorders; CFTR-related condition. Identifiers: MedGen C5924204, MONDO:7770004.
Cystic fibrosis diagnostic test.
Cystic fibrosis (CF). Also called: MUCOVISCIDOSIS. Identifiers: Orphanet 586, MedGen C0010674, MONDO:0009061, OMIM 219700. Disease mechanism: loss of function.
Congenital bilateral aplasia of vas deferens from CFTR mutation (CBAVD). Identifiers: Orphanet 48, MedGen C0403814, MONDO:0010178, OMIM 277180. Disease mechanism: loss of function.
Hereditary pancreatitis (PCTT). Also called: Hereditary chronic pancreatitis; PRSS1-Related Hereditary Pancreatitis. Identifiers: Orphanet 676, MedGen C0238339, MONDO:0008185, OMIM 167800.
Bronchiectasis with or without elevated sweat chloride 1 (BESC1). Also called: Cystic Fibrosis-Like Syndrome. Identifiers: Orphanet 60033, MedGen C2749757, MONDO:0008887, OMIM 211400.

Allele frequency attached by ClinVar (database versions not stated): ESP Exome Variant Server 0.00031; gnomAD 0.00032 and 0.00034; ExAC 0.00027; gnomAD exomes 0.00026 and 0.00060; 1000 Genomes Project 30x 0.00016; 1000 Genomes Project 0.00020.
gnomAD v4.1: 925 of 1,612,974 alleles (0.057%); highest among the groups gnomAD compares: Non-Finnish European, 0.072%; no homozygotes.

Submissions 1 to 10 of 28:

NHS Central & South Genomic Laboratory Hub
Classification: Likely pathogenic for Cystic fibrosis diagnostic test. Last evaluated: 2026-08-06. Review status: criteria provided, single submitter. Criteria: ACMG Guidelines, 2015. Collection method: clinical testing. Allele origin: germline. Affected: yes.

CeGaT Center for Human Genetics Tuebingen
Classification: Pathogenic. Last evaluated: 2026-04-01. Review status: criteria provided, single submitter. Criteria: CeGaT Center For Human Genetics Tuebingen Variant Classification Criteria Version 2. Collection method: clinical testing. Allele origin: germline. Affected: yes. Observed: 7 variant alleles.
Comment: CFTR: PM3:Very Strong, PM2

Labcorp Genetics (formerly Invitae), Labcorp
Classification: Pathogenic for Cystic fibrosis. Last evaluated: 2026-02-04. Review status: criteria provided, single submitter. Criteria: Invitae Variant Classification Sherloc (09022015). Collection method: clinical testing. Allele origin: germline.
Comment: This sequence change replaces aspartic acid, which is acidic and polar, with tyrosine, which is neutral and polar, at codon 443 of the CFTR protein (p.Asp443Tyr). The frequency data for this variant in the population databases is considered unreliable, as metrics indicate poor data quality at this position in the gnomAD database. This missense change has been observed in trans with a pathogenic variant in individuals affected with congenital absence of the vas deferens (CAVD) (PMID: 21520337). Additionally, this variant frequently occurs in cis with the missense variants p.Gly576Ala and p.Arg668Cys. This haplotype has been reported in individuals affected by CFTR-related diseases including CAVD, idiopathic chronic pancreatitis (ICP), chronic sinusitus, and bronchiectasis (PMID: 10922395, 21520337, 22678879, 23951356, 15126740). ClinVar contains an entry for this variant (Variation ID: 53229). Invitae Evidence Modeling of protein sequence and biophysical properties (such as structural, functional, and spatial information, amino acid conservation, physicochemical variation, residue mobility, and thermodynamic stability) indicates that this missense variant is expected to disrupt CFTR protein function with a positive predictive value of 80%. Experimental studies have shown that this missense change affects CFTR protein function (PMID: 22678879). Furthermore, when this variant occurs in combination with p.Gly576Ala and p.Arg668Cys, CFTR chloride channel conductance is decreased. For these reasons, this variant has been classified as Pathogenic.

Quest Diagnostics Nichols Institute San Juan Capistrano
Classification: Uncertain significance. Last evaluated: 2025-11-04. Review status: criteria provided, single submitter. Criteria: Quest Diagnostics criteria. Collection method: clinical testing. Allele origin: unknown.
Comment: The CFTR c.1327G>T (p.Asp443Tyr) variant (also known as D443Y) has been reported in the published literature as part of a complex allele (PMIDs: 10601093 (1999), 10922395 (2000), 19812525 (2010), 32773111 (2020)) and observed in CFTR-related disorders, mostly congenital bilateral absence of the vas deferens (CBAVD) and pancreatitis (PMIDs: 10200050 (1998), 10601093 (1999), 19812525 (2000), 15097853 (2004), 16126774 (2005), 17413420 (2007), 17975025 (2007), 17329263 (2007), 20100616 (2010), 21520337 (2011), 22678879 (2012), 23951356 (2013), 26990548 (2016), 26946416 (2017)). In vitro functional studies have shown that this variant may affect CFTR protein maturation and subcellular localization (PMID: 22678879 (2012)) resulting in significantly reduced CFTR channel function, but retains sufficient activity to not cause CF, and is responsive to pharmaceutical modulators (PMID: 29805046 (2018), 38388235 (2024)). The frequency of this variant in the general population (Genome Aggregation Database) is uninformative in the assessment of its pathogenicity. Therefore, this variant is unlikely to be associated with classic CF. It could be a neutral variant or a variant that is associated with CFTR-related disorders when it occurs with a CF-causing pathogenic variant on the opposite chromosome.

Natera, Inc.
Classification: Likely pathogenic for CFTR-related disorders. Last evaluated: 2025-09-12. Review status: criteria provided, single submitter. Criteria: Natera Variant Classification Schema (03/2026). Collection method: clinical testing. Allele origin: germline.
Comment: The c.1327G>T variant in CFTR is a missense variant predicted to cause substitution of aspartic acid to tyrosine at amino acid 443. This variant is rare in the general population with a frequency below the threshold expected for the associated phenotype(s). This variant has been observed in one or more individuals affected with the associated recessive disease, as either homozygous or compound heterozygous with a second variant (PMID: 10923036). This variant has been identified in one or more affected individual with a phenotype highly consistent with the associated gene (PMID: 10923036). Computational prediction algorithms indicate this variant is likely to affect gene or protein function. Given the available evidence, this variant is classified as Likely Pathogenic.

Ambry Genetics
Classification: Likely pathogenic for Cystic fibrosis. Last evaluated: 2025-08-18. Review status: criteria provided, single submitter. Criteria: Ambry Variant Classification Scheme 2023. Collection method: clinical testing. Allele origin: germline.
Comment: The p.D443Y variant (also known as c.1327G>T), located in coding exon 10 of the CFTR gene, results from a G to T substitution at nucleotide position 1327. The aspartic acid at codon 443 is replaced by tyrosine, an amino acid with highly dissimilar properties. This alteration has been described as part of a complex allele (p.[D443Y;G576A;R668C] or p.[D443Y;G576A]) in individuals with CFTR-related disorders, including congenital absence of the vas deferens (CAVD) and chronic pancreatitis; a second alteration was not always detected, nor phase (cis vs. trans) described (Bombieri C et al. J. Cyst. Fibros., 2011 Jun;10 Suppl 2:S86-102; Steiner B et al. Hum. Mutat., 2011 Aug;32:912-20; Masson E et al. PLoS ONE, 2013 Aug;8:e73522). In vitro functional studies showed that this alteration affects protein maturation. In one study, p.D443Y showed decreased chloride channel activity when co-expressed with p.G576A and p.R668C, but not when expressed alone in cultured cells (El-Seedy et al. Hum Mutat. 2012; 33(11);15557-65). In another study, this variant showed decreased chloride channel activity when expressed alone (Raraigh KS et al. Am. J. Hum. Genet. 2018 Jun;102(6):1062-1077). This amino acid position is not well conserved in available vertebrate species. In addition, this alteration is predicted to be deleterious by in silico analysis. Based on the majority of available evidence to date, this variant is likely to be pathogenic.

Blueprint Genetics
Classification: Pathogenic for CFTR-related disorders. Last evaluated: 2024-10-21. Review status: criteria provided, single submitter. Criteria: ACMG Guidelines, 2015. Collection method: clinical testing. Allele origin: germline. Affected: yes. Observed: 5 variant alleles.

Greenwood Genetic Center Diagnostic Laboratories, Greenwood Genetic Center
Classification: Likely pathogenic for CFTR-related disorder. Last evaluated: 2024-09-11. Review status: criteria provided, single submitter. Criteria: ACMG Guidelines, 2015. Collection method: clinical testing. Allele origin: germline. Affected: yes.
Comment: PS3_Supporting, PM1, PM2, PP3

Baylor Genetics
Classification: Likely pathogenic for Bronchiectasis with or without elevated sweat chloride 1. Last evaluated: 2024-03-26. Review status: criteria provided, single submitter. Criteria: ACMG Guidelines, 2015. Collection method: clinical testing. Allele origin: unknown.

Fulgent Genetics
Classification: Likely pathogenic for Hereditary pancreatitis; Bronchiectasis with or without elevated sweat chloride 1; Cystic fibrosis; Congenital bilateral aplasia of vas deferens from CFTR mutation. Last evaluated: 2024-03-05. Review status: criteria provided, single submitter. Criteria: ACMG Guidelines, 2015. Collection method: clinical testing. Allele origin: germline.

NM_000492.4(CFTR):c.1327G>T (p.Asp443Tyr)

Genes: CFTR-AS1 (CFTR antisense RNA 1; minus strand), CFTR (CF transmembrane conductance regulator; plus strand). Cytogenetic location: 7q31.2.
Variant type: single nucleotide variant.
Coding change: c.1327G>T on transcript NM_000492.4 (MANE Select); coding-DNA position 1327, G replaced by T.
Protein change: p.Asp443Tyr; replaces aspartic acid 443 with tyrosine.
Molecular consequence: missense variant.
Genome position (GRCh38, 1-based): chr7:117,548,758, G>T. VCF-style: chr7-117548758-G-T. GRCh37 (hg19) VCF-style: chr7-117188812-G-T.
Other names: short protein forms D443Y.
Identifiers: ClinVar variation 53229 (VCV000053229.97), dbSNP rs147422190, ClinGen allele CA175540.